The following is an entry in ClinVar:

ClinVar aggregate classification (germline): Uncertain significance (1 of 4 stars; one submission).

Allele frequency attached by ClinVar (database versions not stated): gnomAD exomes below 0.00001; gnomAD 0.00001; 1000 Genomes Project 30x 0.00016; 1000 Genomes Project 0.00020.
gnomAD v4.1: 2 of 1,613,794 alleles (0.00012%); highest among the groups gnomAD compares: East Asian, 0.0022%; no homozygotes.

Submission:

Labcorp Genetics (formerly Invitae), Labcorp
Classification: Uncertain significance. Last evaluated: 2023-10-16. Review status: criteria provided, single submitter. Criteria: Invitae Variant Classification Sherloc (09022015). Collection method: clinical testing. Allele origin: germline.
Comment: This sequence change replaces isoleucine, which is neutral and non-polar, with valine, which is neutral and non-polar, at codon 504 of the SLC1A2 protein (p.Ile504Val). This variant is not present in population databases (gnomAD no frequency). This variant has not been reported in the literature in individuals affected with SLC1A2-related conditions. Advanced modeling of protein sequence and biophysical properties (such as structural, functional, and spatial information, amino acid conservation, physicochemical variation, residue mobility, and thermodynamic stability) performed at Invitae indicates that this missense variant is not expected to disrupt SLC1A2 protein function. In summary, the available evidence is currently insufficient to determine the role of this variant in disease. Therefore, it has been classified as a Variant of Uncertain Significance.

NM_004171.4(SLC1A2):c.1510A>G (p.Ile504Val)

Gene: SLC1A2 (solute carrier family 1 member 2; minus strand). Cytogenetic location: 11p13.
Variant type: single nucleotide variant.
Coding change: c.1510A>G on transcript NM_004171.4 (MANE Select); coding-DNA position 1510, A replaced by G.
Protein change: p.Ile504Val; replaces isoleucine 504 with valine.
Molecular consequence: missense variant.
Genome position (GRCh38, 1-based): chr11:35,265,670, T>C on the plus strand (A>G on the coding strand, the complement: SLC1A2 is on the minus strand). VCF-style: chr11-35265670-T-C. GRCh37 (hg19) VCF-style: chr11-35287217-T-C.
Other names: c.1483A>G, p.Ile495Val (NM_001195728.3, NM_001252652.2); short protein forms I504V, I495V.
Identifiers: ClinVar variation 2769048 (VCV002769048.3), dbSNP rs543443827, ClinGen allele CA220480975.